The following is an entry in ClinVar:

NM_000156.6(GAMT):c.327+1G>A

Gene: GAMT (guanidinoacetate N-methyltransferase; minus strand). Cytogenetic location: 19p13.3.
Variant type: single nucleotide variant.
Coding change: c.327+1G>A on transcript NM_000156.6 (MANE Select); the canonical splice donor site of the intron after coding-DNA position 327, G replaced by A.
Molecular consequence: splice donor variant.
Genome position (GRCh38, 1-based): chr19:1,399,792, C>T on the plus strand (G>A on the coding strand, the complement: GAMT is on the minus strand). VCF-style: chr19-1399792-C-T. GRCh37 (hg19) VCF-style: chr19-1399791-C-T.
Other names: c.327+1G>A (NM_138924.3).
Identifiers: ClinVar variation 4068335 (VCV004068335.3).

ClinVar aggregate classification (germline): Likely pathogenic (1 of 4 stars; one submission).

Conditions:
Deficiency of guanidinoacetate methyltransferase (CCDS2). Also called: GAMT DEFICIENCY; CEREBRAL CREATINE DEFICIENCY SYNDROME 2; Guanidinoacetate Methyltransferase (GAMT) Deficiency. Identifiers: Orphanet 382, MedGen C0574080, MONDO:0012999, OMIM 612736.

Submission:

Natera, Inc.
Classification: Likely pathogenic for Guanidinoacetate methyltransferase deficiency. Last evaluated: 2025-04-23. Review status: criteria provided, single submitter. Criteria: Natera Variant Classification Schema (03/2026). Collection method: clinical testing. Allele origin: germline.
Comment: The c.327+1G>A variant in GAMT is a canonical splice donor site variant predicted to affect pre-mRNA splicing, which may result in an abnormal transcript and altered protein product. This variant is expected to result in nonsense mediated decay, truncation, or a dysfunctional protein product. This variant is rare in the general population with a frequency below the threshold expected for the associated phenotype(s). Given the available evidence, this variant is classified as Likely Pathogenic.